The following is an entry in ClinVar:

NM_014384.3(ACAD8):c.*190C>T

Gene: ACAD8 (acyl-CoA dehydrogenase family member 8; plus strand). Cytogenetic location: 11q25.
Variant type: single nucleotide variant.
Coding change: c.*190C>T on transcript NM_014384.3 (MANE Select); 190 bases downstream of the stop codon, C replaced by T.
Molecular consequence: 3 prime UTR variant.
Genome position (GRCh38, 1-based): chr11:134,265,150, C>T. VCF-style: chr11-134265150-C-T. GRCh37 (hg19) VCF-style: chr11-134135044-C-T.
Identifiers: ClinVar variation 877414 (VCV000877414.6), dbSNP rs111296476, ClinGen allele CA231282352.

ClinVar aggregate classification (germline): Benign. Review status: criteria provided, multiple submitters, no conflicts (2 of 4 stars). 3 submissions from 3 submitters: Benign (3). Last evaluated 2021-05-10.

Conditions:
Deficiency of isobutyryl-CoA dehydrogenase. Also called: ACYL-CoA DEHYDROGENASE FAMILY, MEMBER 8, DEFICIENCY OF; IBD DEFICIENCY; ACAD8 DEFICIENCY. Identifiers: Orphanet 79159, MedGen C1969809, MONDO:0012648, OMIM 611283.

Allele frequency attached by ClinVar (database versions not stated): gnomAD exomes 0.00578; gnomAD 0.04620 and 0.04945; 1000 Genomes Project 0.04952; 1000 Genomes Project 30x 0.05262; TOPMed 0.05332.
gnomAD v4.1: 9,985 of 646,860 alleles (1.5%); highest among the groups gnomAD compares: African/African-American, 16%; 707 homozygotes.

Submissions (3):

GeneDx
Classification: Benign. Last evaluated: 2021-05-10. Review status: criteria provided, single submitter. Criteria: GeneDx Variant Classification Process June 2021. Collection method: clinical testing. Allele origin: germline. Affected: yes.

Illumina Laboratory Services, Illumina
Classification: Benign for Deficiency of isobutyryl-CoA dehydrogenase. Last evaluated: 2018-01-13. Review status: criteria provided, single submitter. Criteria: ICSL Variant Classification Criteria 13 December 2019. Collection method: clinical testing. Allele origin: germline.
Comment: This variant was observed in the ICSL laboratory as part of a predisposition screen in an ostensibly healthy population. It had not been previously curated by ICSL or reported in the Human Gene Mutation Database (HGMD: prior to June 1st, 2018), and was therefore a candidate for classification through an automated scoring system. Utilizing variant allele frequency, disease prevalence and penetrance estimates, and inheritance mode, an automated score was calculated to assess if this variant is too frequent to cause the disease. Based on the score and internal cut-off values, a variant classified as benign is not then subjected to further curation. The score for this variant resulted in a classification of benign for this disease.

Breakthrough Genomics
Classification: Benign. Review status: criteria provided, single submitter. Criteria: ACMG Guidelines, 2015. Collection method: not provided. Allele origin: germline. Inheritance: Autosomal recessive inheritance. Affected: yes.